The following is an entry in ClinVar:

NM_000466.3(PEX1):c.1877G>C (p.Arg626Thr)

Gene: PEX1 (peroxisomal biogenesis factor 1; minus strand). Cytogenetic location: 7q21.2.
Variant type: single nucleotide variant.
Coding change: c.1877G>C on transcript NM_000466.3 (MANE Select); coding-DNA position 1877, G replaced by C.
Protein change: p.Arg626Thr; replaces arginine 626 with threonine.
Molecular consequence: missense variant.
Genome position (GRCh38, 1-based): chr7:92,506,271, C>G on the plus strand (G>C on the coding strand, the complement: PEX1 is on the minus strand). VCF-style: chr7-92506271-C-G. GRCh37 (hg19) VCF-style: chr7-92135585-C-G.
Other names: c.1877G>C, p.Arg626Thr (NM_001282677.2); c.1253G>C, p.Arg418Thr (NM_001282678.2); short protein forms R418T, R626T.
Identifiers: ClinVar variation 1063322 (VCV001063322.13), dbSNP rs1310822252, ClinGen allele CA368184724.

ClinVar aggregate classification (germline): Uncertain significance. Review status: criteria provided, single submitter (1 of 4 stars). 2 submissions from 2 submitters: Uncertain significance (1). 1 of the submissions does not count toward it. Last evaluated 2020-09-24.

Conditions:
Zellweger spectrum disorders (ZS). Also called: Zellweger Spectrum Disorder; Zellweger Spectrum; Zellweger syndrome; Zellweger Spectrum Disorder (ZSD). Identifiers: Orphanet 912, MedGen C0043459, MONDO:0019609.

Submissions (2):

Labcorp Genetics (formerly Invitae), Labcorp
Classification: Uncertain significance for Zellweger spectrum disorders. Last evaluated: 2020-09-24. Review status: criteria provided, single submitter. Criteria: Invitae Variant Classification Sherloc (09022015). Collection method: clinical testing. Allele origin: germline.
Comment: This variant has not been reported in the literature in individuals with PEX1-related conditions. This variant is not present in population databases (ExAC no frequency). This sequence change replaces arginine with threonine at codon 626 of the PEX1 protein (p.Arg626Thr). The arginine residue is weakly conserved and there is a moderate physicochemical difference between arginine and threonine. Algorithms developed to predict the effect of missense changes on protein structure and function output the following: SIFT: "Tolerated"; PolyPhen-2: "Benign"; Align-GVGD: "Class C0". The threonine amino acid residue is found in multiple mammalian species, suggesting that this missense change does not adversely affect protein function. These predictions have not been confirmed by published functional studies and their clinical significance is uncertain. In summary, the available evidence is currently insufficient to determine the role of this variant in disease. Therefore, it has been classified as a Variant of Uncertain Significance.

Natera, Inc.
Classification: Uncertain significance for Zellweger syndrome. Last evaluated: 2020-02-03. Review status: no assertion criteria provided. Collection method: clinical testing. Allele origin: germline. Not counted in ClinVar's aggregate classification.